The following is an entry in ClinVar:

NM_001458.5(FLNC):c.7180G>C (p.Asp2394His)

Genes: FLNC-AS1 (FLNC antisense RNA 1; minus strand), FLNC (filamin C; plus strand). Cytogenetic location: 7q32.1.
Variant type: single nucleotide variant.
Coding change: c.7180G>C on transcript NM_001458.5 (MANE Select); coding-DNA position 7180, G replaced by C.
Protein change: p.Asp2394His; replaces aspartic acid 2394 with histidine.
Molecular consequence: missense variant.
Genome position (GRCh38, 1-based): chr7:128,855,243, G>C. VCF-style: chr7-128855243-G-C. GRCh37 (hg19) VCF-style: chr7-128495297-G-C.
Other names: c.7081G>C, p.Asp2361His (NM_001127487.2); short protein forms D2394H, D2361H.
Identifiers: ClinVar variation 539375 (VCV000539375.10), dbSNP rs1554401561, ClinGen allele CA369215723.

ClinVar aggregate classification (germline): Conflicting classifications of pathogenicity. Review status: criteria provided, conflicting classifications (1 of 4 stars). 2 submissions from 2 submitters: Likely pathogenic (1); Uncertain significance (1). Last evaluated 2017-11-29.

Conditions:
Primary familial hypertrophic cardiomyopathy (HCM). Identifiers: Orphanet 99739, MedGen C0949658, MeSH D024741, MONDO:0024573. Inheritance: Various modes of inheritance.
Distal myopathy with posterior leg and anterior hand involvement. Also called: WILLIAMS DISTAL MYOPATHY. Identifiers: Orphanet 63273, MedGen C3279722, MONDO:0013550, OMIM 614065.
Myofibrillar myopathy 5. Also called: Filaminopathy (type); FILAMINOPATHY, AUTOSOMAL DOMINANT. Identifiers: Orphanet 171445, MedGen C1836050, MONDO:0012289, OMIM 609524.
Hypertrophic cardiomyopathy 26. Also called: Cardiomyopathy, familial hypertrophic, 26. Identifiers: Orphanet 75249, MedGen C4310749, MONDO:0014883, OMIM 617047.

Submissions (2):

Rady Children's Institute for Genomic Medicine, Rady Children's Hospital San Diego
Classification: Likely pathogenic for CARDIOMYOPATHY, FAMILIAL HYPERTROPHIC. Last evaluated: 2017-11-29. Review status: criteria provided, single submitter. Criteria: ACMG Guidelines, 2015. Collection method: clinical testing. Allele origin: germline. Affected: yes. Observed: 1 variant allele.
Comment: This variant has not been previously reported in the literature to our knowledge and it is absent from the ExAC and gnomAD population databases, thus it is presumed to be rare. This variant is a non-conservative amino acid change in a missense intolerant gene. The residue is highly conserved among eukaryotes and the change is predicted to be damaging by in silico methods. No functional characterizations of the variant are available for review but missense variants in this gene have previously been demonstrated to cause disease (PMID: 26666891, 25351925). Analysis of the parental samples was negative for the variant, indicating this variant likely occurred as a de novo event. Based on the available evidence, the c.7180G>C, p.Asp2394His variant is classified as likely pathogenic.

Labcorp Genetics (formerly Invitae), Labcorp
Classification: Uncertain significance for Distal myopathy with posterior leg and anterior hand involvement; Myofibrillar myopathy 5; Hypertrophic cardiomyopathy 26. Last evaluated: 2017-11-20. Review status: criteria provided, single submitter. Criteria: Invitae Variant Classification Sherloc (09022015). Collection method: clinical testing. Allele origin: germline.
Comment: In summary, the available evidence is currently insufficient to determine the role of this variant in disease. Therefore, it has been classified as a Variant of Uncertain Significance. Algorithms developed to predict the effect of missense changes on protein structure and function do not agree on the potential impact of this missense change (SIFT: "Deleterious"; PolyPhen-2: "Probably Damaging"; Align-GVGD: "Class C0"). This variant has not been reported in the literature in individuals with FLNC-related disease. This variant is not present in population databases (ExAC no frequency). This sequence change replaces aspartic acid with histidine at codon 2394 of the FLNC protein (p.Asp2394His). The aspartic acid residue is highly conserved and there is a moderate physicochemical difference between aspartic acid and histidine.